The following is an entry in ClinVar:

NM_000059.4(BRCA2):c.4717_4718insAC (p.Cys1573fs)

Gene: BRCA2 (BRCA2 DNA repair associated; plus strand). Cytogenetic location: 13q13.1.
Variant type: Insertion.
Coding change: c.4717_4718insAC on transcript NM_000059.4 (MANE Select); coding-DNA positions 4717 to 4718, AC inserted.
Protein change: p.Cys1573fs; shifts the reading frame from cysteine 1573.
Molecular consequence: frameshift variant. On other transcripts: non-coding transcript variant (1), intron variant (2).
Genome position: GRCh38 VCF-style: chr13-32339072-T-TAC. GRCh37 (hg19) VCF-style: chr13-32913209-T-TAC.
Other names: c.4717_4718insAC, p.Cys1573fs (NM_001406719.1, NM_001406720.1); c.1910-5486_1910-5485insAC (NM_001406721.1); c.425-5486_425-5485insAC (NM_001406722.1); short protein forms C1573fs.
Identifiers: ClinVar variation 3254391 (VCV003254391.1), dbSNP rs2548529184.

ClinVar aggregate classification (germline): Pathogenic (1 of 4 stars; one submission).

Conditions:
Breast-ovarian cancer, familial, susceptibility to, 2 (BROVCA2). Also called: BRCA2 Hereditary Breast and Ovarian Cancer. Identifiers: Orphanet 145, MedGen C2675520, MONDO:0012933, OMIM 612555. Disease mechanism: loss of function.

Submission:

Myriad Genetics, Inc.
Classification: Pathogenic for Breast-ovarian cancer, familial, susceptibility to, 2. Last evaluated: 2024-05-21. Review status: criteria provided, single submitter. Criteria: Myriad Autosomal Dominant, Autosomal Recessive and X-Linked Classification Criteria (2023). Collection method: clinical testing. Allele origin: unknown.
Comment: This variant is considered pathogenic. This variant creates a frameshift predicted to result in premature protein truncation.